The following is an entry in ClinVar:

NM_001083926.2(ASRGL1):c.697C>G (p.Leu233Val)

Gene: ASRGL1 (asparaginase and isoaspartyl peptidase 1; plus strand). Cytogenetic location: 11q12.3.
Variant type: single nucleotide variant.
Coding change: c.697C>G on transcript NM_001083926.2 (MANE Select); coding-DNA position 697, C replaced by G.
Protein change: p.Leu233Val; replaces leucine 233 with valine.
Molecular consequence: missense variant.
Genome position (GRCh38, 1-based): chr11:62,391,608, C>G. VCF-style: chr11-62391608-C-G. GRCh37 (hg19) VCF-style: chr11-62159080-C-G.
Other names: c.697C>G, p.Leu233Val (NM_025080.4); short protein forms L233V.
Identifiers: ClinVar variation 941775 (VCV000941775.9), dbSNP rs1947340547, ClinGen allele CA380871389.

ClinVar aggregate classification (germline): Uncertain significance (1 of 4 stars; one submission).

Allele frequency attached by ClinVar (database versions not stated): gnomAD exomes below 0.00001.
gnomAD v4.1: 3 of 1,611,078 alleles (0.00019%); highest among the groups gnomAD compares: Non-Finnish European, 0.00025%; no homozygotes.

Submission:

Labcorp Genetics (formerly Invitae), Labcorp
Classification: Uncertain significance. Last evaluated: 2019-09-18. Review status: criteria provided, single submitter. Criteria: Invitae Variant Classification Sherloc (09022015). Collection method: clinical testing. Allele origin: germline.
Comment: In summary, the available evidence is currently insufficient to determine the role of this variant in disease. Therefore, it has been classified as a Variant of Uncertain Significance. Algorithms developed to predict the effect of missense changes on protein structure and function are either unavailable or do not agree on the potential impact of this missense change (SIFT: "Tolerated"; PolyPhen-2: "Possibly Damaging"; Align-GVGD: "Class C0"). This variant has not been reported in the literature in individuals with ASRGL1-related conditions. This variant is not present in population databases (ExAC no frequency). This sequence change replaces leucine with valine at codon 233 of the ASRGL1 protein (p.Leu233Val). The leucine residue is highly conserved and there is a small physicochemical difference between leucine and valine.